The following is an entry in ClinVar:

NM_000051.4(ATM):c.707T>A (p.Leu236His)

Gene: ATM (ATM serine/threonine kinase; plus strand). Cytogenetic location: 11q22.3.
Variant type: single nucleotide variant.
Coding change: c.707T>A on transcript NM_000051.4 (MANE Select); coding-DNA position 707, T replaced by A.
Protein change: p.Leu236His; replaces leucine 236 with histidine.
Molecular consequence: missense variant.
Genome position (GRCh38, 1-based): chr11:108,244,832, T>A. VCF-style: chr11-108244832-T-A. GRCh37 (hg19) VCF-style: chr11-108115559-T-A.
Other names: c.707T>A, p.Leu236His (NM_001351834.2); short protein forms L236H.
Identifiers: ClinVar variation 1038604 (VCV001038604.11), dbSNP rs876659813, ClinGen allele CA382529151.
Genomic context (GRCh38, chr11:108,244,832, plus strand): 5'-GTTTGTTTCTTCACAGACAAGAAAAGAGCTCTTCAGGTCTAAATCATATCTTAGCAGCTC[T>A]TACTATCTTCCTCAAGACTTTGGCTGTCAACTTTCGAATTCGAGTGTGTGAATTAGGAGA-3'
Protein context (NP_000042.3, residues 226-246): SSGLNHILAA[Leu236His]TIFLKTLAVN

ClinVar aggregate classification (germline): Uncertain significance. Review status: criteria provided, multiple submitters, no conflicts (2 of 4 stars). 2 submissions from 2 submitters: Uncertain significance (2). Last evaluated 2022-09-19.

Conditions:
Ataxia-telangiectasia syndrome (AT). Also called: Ataxia-telangiectasia, complementation group D; ATAXIA-TELANGIECTASIA, COMPLEMENTATION GROUP A; ATAXIA-TELANGIECTASIA, FRESNO VARIANT; Ataxia-telangiectasia; Ataxia-telangiectasia, complementation group E; LOUIS-BAR SYNDROME. Identifiers: Orphanet 100, MedGen C0004135, MONDO:0008840, OMIM 208900.
Hereditary cancer-predisposing syndrome. Also called: Neoplastic Syndromes, Hereditary; Hereditary Cancer Syndrome; Tumor predisposition; Hereditary neoplastic syndrome. Identifiers: Orphanet 140162, MedGen C0027672, MeSH D009386, MONDO:0015356.

Submissions (2):

Ambry Genetics
Classification: Uncertain significance for Hereditary cancer-predisposing syndrome. Last evaluated: 2022-09-19. Review status: criteria provided, single submitter. Criteria: Ambry Variant Classification Scheme 2023. Collection method: clinical testing. Allele origin: germline.
Comment: The p.L236H variant (also known as c.707T>A), located in coding exon 6 of the ATM gene, results from a T to A substitution at nucleotide position 707. The leucine at codon 236 is replaced by histidine, an amino acid with similar properties. This amino acid position is conserved. In addition, this alteration is predicted to be tolerated by in silico analysis. Since supporting evidence is limited at this time, the clinical significance of this alteration remains unclear.

Labcorp Genetics (formerly Invitae), Labcorp
Classification: Uncertain significance for Ataxia-telangiectasia syndrome. Last evaluated: 2020-10-19. Review status: criteria provided, single submitter. Criteria: Invitae Variant Classification Sherloc (09022015). Collection method: clinical testing. Allele origin: germline.
Comment: Advanced modeling of protein sequence and biophysical properties (such as structural, functional, and spatial information, amino acid conservation, physicochemical variation, residue mobility, and thermodynamic stability) performed at Invitae indicates that this missense variant is not expected to disrupt ATM protein function. In summary, the available evidence is currently insufficient to determine the role of this variant in disease. Therefore, it has been classified as a Variant of Uncertain Significance. This sequence change replaces leucine with histidine at codon 236 of the ATM protein (p.Leu236His). The leucine residue is moderately conserved and there is a moderate physicochemical difference between leucine and histidine. This variant is not present in population databases (ExAC no frequency). This variant has not been reported in the literature in individuals with ATM-related conditions.